The following is an entry in ClinVar:

ClinVar aggregate classification (germline): Conflicting classifications of pathogenicity. Review status: criteria provided, conflicting classifications (1 of 4 stars). 3 submissions from 3 submitters: Uncertain significance (1); Likely benign (2). Last evaluated 2025-10-01.

Conditions:
Neuropathy, hereditary sensory, type 2C. Also called: Hereditary sensory and autonomic neuropathy type IIC; KIF1A-Related HSAN2 (HSAN2C). Identifiers: Orphanet 970, MedGen C3280168, MONDO:0013634, OMIM 614213.
Intellectual disability, autosomal dominant 9 (NESCAVS). Also called: KIF1A-Related Neurodevelopmental Disorder; NESCAV SYNDROME. Identifiers: Orphanet 662367, MedGen C5393830, MONDO:0013656, OMIM 614255.
Hereditary spastic paraplegia 30. Identifiers: Orphanet 101010, MedGen C5235139, MONDO:0012476.

Allele frequency attached by ClinVar (database versions not stated): gnomAD exomes below 0.00001; TOPMed below 0.00001; gnomAD 0.00001.
gnomAD v4.1: 4 of 1,612,682 alleles (0.00025%); highest among the groups gnomAD compares: Admixed American, 0.0017%; no homozygotes.

Submissions (3):

Labcorp Genetics (formerly Invitae), Labcorp
Classification: Likely benign for Hereditary spastic paraplegia 30; Neuropathy, hereditary sensory, type 2C; Intellectual disability, autosomal dominant 9. Last evaluated: 2025-10-01. Review status: criteria provided, single submitter. Criteria: Invitae Variant Classification Sherloc (09022015). Collection method: clinical testing. Allele origin: germline.

Blueprint Genetics
Classification: Likely benign. Last evaluated: 2024-09-16. Review status: criteria provided, single submitter. Criteria: ACMG Guidelines, 2015. Collection method: clinical testing. Allele origin: germline.

GeneDx
Classification: Uncertain significance. Last evaluated: 2021-10-25. Review status: criteria provided, single submitter. Criteria: GeneDx Variant Classification Process June 2021. Collection method: clinical testing. Allele origin: germline. Affected: yes.
Comment: Has not been previously published as pathogenic or benign to our knowledge; In-silico analysis, which includes splice predictors and evolutionary conservation, is inconclusive as to whether the variant alters gene splicing. In the absence of RNA/functional studies, the actual effect of this sequence change is unknown.

NM_001244008.2(KIF1A):c.4068C>T (p.Asn1356=)

Gene: KIF1A (kinesin family member 1A; minus strand). Cytogenetic location: 2q37.3.
Variant type: single nucleotide variant.
Coding change: c.4068C>T on transcript NM_001244008.2 (MANE Select); coding-DNA position 4068, C replaced by T.
Protein change: p.Asn1356=; no amino-acid change (asparagine 1356 retained).
Molecular consequence: synonymous variant.
Genome position (GRCh38, 1-based): chr2:240,726,880, G>A on the plus strand (C>T on the coding strand, the complement: KIF1A is on the minus strand). VCF-style: chr2-240726880-G-A. GRCh37 (hg19) VCF-style: chr2-241666297-G-A.
Other names: c.3792C>T, p.Asn1264= (NM_001320705.2, NM_001379649.1); c.3819C>T, p.Asn1273= (NM_001330289.2); c.3867C>T, p.Asn1289= (NM_001330290.2, NM_001379648.1); c.4143C>T, p.Asn1381= (NM_001379631.1); c.4044C>T, p.Asn1348= (NM_001379632.1); c.4041C>T, p.Asn1347= (NM_001379633.1, NM_001379645.1); c.3894C>T, p.Asn1298= (NM_001379634.1); c.3891C>T, p.Asn1297= (NM_001379635.1, NM_001379646.1); and 7 more.
Identifiers: ClinVar variation 1314979 (VCV001314979.10), dbSNP rs1481460597, ClinGen allele CA432021122.